The following is an entry in ClinVar:

NM_001244008.2(KIF1A):c.3247_3248delinsCT (p.Ala1083Leu)

Gene: KIF1A (kinesin family member 1A; minus strand). Cytogenetic location: 2q37.3.
Variant type: Indel.
Coding change: c.3247_3248delinsCT on transcript NM_001244008.2 (MANE Select); coding-DNA positions 3247 to 3248, GC replaced by CT.
Protein change: p.Ala1083Leu; replaces alanine 1083 with leucine.
Molecular consequence: missense variant.
Genome position (GRCh38, 1-based): chr2:240,745,864-240,745,865, GC replaced by AG on the plus strand (GC replaced by CT on the coding strand, the reverse complement: KIF1A is on the minus strand). VCF-style: chr2-240745864-GC-AG. GRCh37 (hg19) VCF-style: chr2-241685281-GC-AG.
Other names: c.2971_2972delinsCT, p.Ala991Leu (NM_001320705.2, NM_001330289.2, NM_001379638.1); c.3046_3047delinsCT, p.Ala1016Leu (NM_001330290.2, NM_001379634.1, NM_001379635.1 and 1 more transcripts); c.3322_3323delinsCT, p.Ala1108Leu (NM_001379631.1); c.3196_3197delinsCT, p.Ala1066Leu (NM_001379632.1); c.3220_3221delinsCT, p.Ala1074Leu (NM_001379633.1, NM_001379642.1, NM_001379645.1); c.2944_2945delinsCT, p.Ala982Leu (NM_001379636.1, NM_001379639.1, NM_001379641.1 and 5 more transcripts); c.3019_3020delinsCT, p.Ala1007Leu (NM_001379637.1, NM_001379648.1); c.2941_2942delinsCT, p.Ala981Leu (NM_001379640.1); and 1 more; short protein forms A1007L, A1074L, A1083L, A1108L, A991L, A1066L, A981L, A982L.
Identifiers: ClinVar variation 2949289 (VCV002949289.3), dbSNP rs2537291371, ClinGen allele CA2740096523.

ClinVar aggregate classification (germline): Uncertain significance (1 of 4 stars; one submission).

Conditions:
Neuropathy, hereditary sensory, type 2C. Also called: KIF1A-Related HSAN2 (HSAN2C); Hereditary sensory and autonomic neuropathy type IIC. Identifiers: Orphanet 970, MedGen C3280168, MONDO:0013634, OMIM 614213.
Hereditary spastic paraplegia 30. Identifiers: Orphanet 101010, MedGen C5235139, MONDO:0012476.
Intellectual disability, autosomal dominant 9 (NESCAVS). Also called: NESCAV SYNDROME; KIF1A-Related Neurodevelopmental Disorder. Identifiers: Orphanet 662367, MedGen C5393830, MONDO:0013656, OMIM 614255.

Submission:

Labcorp Genetics (formerly Invitae), Labcorp
Classification: Uncertain significance for Hereditary spastic paraplegia 30; Neuropathy, hereditary sensory, type 2C; Intellectual disability, autosomal dominant 9. Last evaluated: 2023-06-25. Review status: criteria provided, single submitter. Criteria: Invitae Variant Classification Sherloc (09022015). Collection method: clinical testing. Allele origin: germline.
Comment: An algorithm developed to predict the effect of missense changes on protein structure and function (PolyPhen-2) suggests that this variant is likely to be tolerated. In summary, the available evidence is currently insufficient to determine the role of this variant in disease. Therefore, it has been classified as a Variant of Uncertain Significance. This variant has not been reported in the literature in individuals affected with KIF1A-related conditions. Information on the frequency of this variant in the gnomAD database is not available, as this variant may be reported differently in the database. This sequence change replaces alanine, which is neutral and non-polar, with leucine, which is neutral and non-polar, at codon 982 of the KIF1A protein (p.Ala982Leu).